The following is an entry in ClinVar:

NM_001348323.3(TRIP12):c.5259_5276delinsAAATGATATG (p.Leu1754fs)

Gene: TRIP12 (thyroid hormone receptor interactor 12; minus strand). Cytogenetic location: 2q36.3.
Variant type: Indel.
Coding change: c.5259_5276delinsAAATGATATG on transcript NM_001348323.3 (MANE Select); coding-DNA positions 5259 to 5276, GCTTCCCTTTGGTAGGAC replaced by AAATGATATG.
Protein change: p.Leu1754fs; shifts the reading frame from leucine 1754.
Molecular consequence: frameshift variant.
Genome position (GRCh38, 1-based): chr2:229,778,521-229,778,538, GTCCTACCAAAGGGAAGC replaced by CATATCATTT on the plus strand (GCTTCCCTTTGGTAGGAC replaced by AAATGATATG on the coding strand, the reverse complement: TRIP12 is on the minus strand). VCF-style: chr2-229778521-GTCCTACCAAAGGGAAGC-CATATCATTT. GRCh37 (hg19) VCF-style: chr2-230643237-GTCCTACCAAAGGGAAGC-CATATCATTT.
Other names: c.5178_5195delinsAAATGATATG, p.Leu1727fs (NM_001284214.2, NM_001348315.2); c.5133_5150delinsAAATGATATG, p.Leu1712fs (NM_001284215.2, NM_001348316.2); c.4224_4241delinsAAATGATATG, p.Leu1409fs (NM_001284216.2); c.5118_5135delinsAAATGATATG, p.Leu1707fs (NM_001348317.1, NM_001348318.2); c.5244_5261delinsAAATGATATG, p.Leu1749fs (NM_001348319.1, NM_001348320.2); c.5247_5264delinsAAATGATATG, p.Leu1750fs (NM_001348321.1); c.5259_5276delinsAAATGATATG, p.Leu1754fs (NM_001348322.1, NM_001348324.2, NM_001348325.2 and 2 more transcripts); c.5262_5279delinsAAATGATATG, p.Leu1755fs (NM_001348328.1, NM_001348329.2, NM_001348330.2); and 4 more; short protein forms L1409fs, L1679fs, L1680fs, L1707fs, L1712fs, L1720fs, L1727fs, L1728fs.
Identifiers: ClinVar variation 1334586 (VCV001334586.4), dbSNP rs2154245501, ClinGen allele CA2573051891.

ClinVar aggregate classification (germline): Likely pathogenic (1 of 4 stars; one submission).

Conditions:
Clark-Baraitser syndrome. Also called: BARAITSER SYNDROME; Mental retardation, tall stature, obesity, macrocephaly and typical facial features; Intellectual disability, autosomal dominant 49; MENTAL RETARDATION, AUTOSOMAL DOMINANT 49. Identifiers: Orphanet 600731, MedGen C2931130, MONDO:0030914, OMIM 617752.

Submission:

Greenwood Genetic Center Diagnostic Laboratories, Greenwood Genetic Center
Classification: Likely pathogenic for Clark-Baraitser syndrome. Last evaluated: 2021-09-29. Review status: criteria provided, single submitter. Criteria: ACMG Guidelines, 2015. Collection method: clinical testing. Allele origin: germline. Affected: yes.
Comment: PVS1, PM2